The following is an entry in ClinVar:

NM_004260.4(RECQL4):c.1758G>A (p.Gly586=)

Gene: RECQL4 (RecQ like helicase 4; minus strand). Cytogenetic location: 8q24.3.
Variant type: single nucleotide variant.
Coding change: c.1758G>A on transcript NM_004260.4 (MANE Select); coding-DNA position 1758, G replaced by A.
Protein change: p.Gly586=; no amino-acid change (glycine 586 retained).
Molecular consequence: synonymous variant. On other transcripts: non-coding transcript variant (3), intron variant (3).
Genome position (GRCh38, 1-based): chr8:144,514,309, C>T on the plus strand (G>A on the coding strand, the complement: RECQL4 is on the minus strand). VCF-style: chr8-144514309-C-T. GRCh37 (hg19) VCF-style: chr8-145739693-C-T.
Other names: c.1662G>A, p.Gly554= (NM_001413017.1, NM_001413020.1); c.1758G>A, p.Gly586= (NM_001413018.1, NM_001413019.1, NM_001413036.1); c.687G>A, p.Gly229= (NM_001413021.1, NM_001413022.1, NM_001413023.1 and 6 more transcripts); c.1629G>A, p.Gly543= (NM_001413025.1); c.621G>A, p.Gly207= (NM_001413027.1, NM_001413030.1, NM_001413032.1 and 1 more transcripts); c.1407G>A, p.Gly469= (NM_001413029.1); c.1728G>A, p.Gly576= (NM_001413039.1); c.657G>A, p.Gly219= (NM_001413042.1); and 5 more.
Identifiers: ClinVar variation 2846978 (VCV002846978.4), dbSNP rs1827834196, ClinGen allele CA463567352.

ClinVar aggregate classification (germline): Conflicting classifications of pathogenicity. Review status: criteria provided, conflicting classifications (1 of 4 stars). 2 submissions from 2 submitters: Uncertain significance (1); Likely benign (1). Last evaluated 2026-02-10.

Conditions:
Baller-Gerold syndrome (BGS). Also called: CRANIOSYNOSTOSIS WITH RADIAL DEFECTS. Identifiers: Orphanet 1225, MedGen C0265308, MONDO:0009039, OMIM 218600.
Inborn genetic diseases. Identifiers: MedGen C0950123, MeSH D030342.

Submissions (2):

Ambry Genetics
Classification: Likely benign for Inborn genetic diseases. Last evaluated: 2026-02-10. Review status: criteria provided, single submitter. Criteria: Ambry Variant Classification Scheme 2023. Collection method: clinical testing. Allele origin: germline.

Labcorp Genetics (formerly Invitae), Labcorp
Classification: Uncertain significance for Baller-Gerold syndrome. Last evaluated: 2023-03-18. Review status: criteria provided, single submitter. Criteria: Invitae Variant Classification Sherloc (09022015). Collection method: clinical testing. Allele origin: germline.
Comment: This sequence change affects codon 586 of the RECQL4 mRNA. It is a 'silent' change, meaning that it does not change the encoded amino acid sequence of the RECQL4 protein. In summary, the available evidence is currently insufficient to determine the role of this variant in disease. Therefore, it has been classified as a Variant of Uncertain Significance. Algorithms developed to predict the effect of sequence changes on RNA splicing suggest that this variant may disrupt the consensus splice site. This variant has not been reported in the literature in individuals affected with RECQL4-related conditions. This variant is not present in population databases (gnomAD no frequency).